The following is an entry in ClinVar:

ClinVar aggregate classification (germline): Benign/Likely benign. Review status: criteria provided, multiple submitters, no conflicts (2 of 4 stars). 4 submissions from 4 submitters: Benign (1); Likely benign (3). Last evaluated 2025-04-14.

Conditions:
Hereditary cancer-predisposing syndrome. Also called: Tumor predisposition; Hereditary Cancer Syndrome; Neoplastic Syndromes, Hereditary; Hereditary neoplastic syndrome. Identifiers: Orphanet 140162, MedGen C0027672, MeSH D009386, MONDO:0015356.
Familial cancer of breast. Also called: Hereditary breast cancer; hereditary breast carcinoma; BREAST CANCER, FAMILIAL. Identifiers: Orphanet 227535, MedGen C0346153, MONDO:0016419, OMIM 114480. Disease mechanism: loss of function.
Ataxia-telangiectasia syndrome (AT). Also called: Cerebello-oculocutaneous telangiectasia; Immunodeficiency with ataxia telangiectasia; Ataxia-telangiectasia, complementation group D; AT, COMPLEMENTATION GROUP C; Ataxia-telangiectasia, complementation group E; LOUIS-BAR SYNDROME. Identifiers: Orphanet 100, MedGen C0004135, MONDO:0008840, OMIM 208900.

Submissions (4):

Labcorp Genetics (formerly Invitae), Labcorp
Classification: Likely benign for Ataxia-telangiectasia syndrome. Last evaluated: 2025-04-14. Review status: criteria provided, single submitter. Criteria: Invitae Variant Classification Sherloc (09022015). Collection method: clinical testing. Allele origin: germline.

Myriad Genetics, Inc.
Classification: Benign for Familial cancer of breast. Last evaluated: 2024-04-19. Review status: criteria provided, single submitter. Criteria: Myriad Autosomal Dominant, Autosomal Recessive and X-Linked Classification Criteria (2023). Collection method: clinical testing. Allele origin: unknown.
Comment: This variant is considered benign. This variant is a silent/synonymous amino acid change and it is not expected to impact splicing.

Color Diagnostics, LLC DBA Color Health
Classification: Likely benign for Hereditary cancer-predisposing syndrome. Last evaluated: 2023-04-01. Review status: criteria provided, single submitter. Criteria: ACMG Guidelines, 2015. Collection method: clinical testing. Allele origin: germline.

Ambry Genetics
Classification: Likely benign for Hereditary cancer-predisposing syndrome. Last evaluated: 2018-09-30. Review status: criteria provided, single submitter. Criteria: Ambry Variant Classification Scheme 2023. Collection method: clinical testing. Allele origin: germline.

NM_000051.4(ATM):c.534T>C (p.Pro178=)

Gene: ATM (ATM serine/threonine kinase; plus strand). Cytogenetic location: 11q22.3.
Variant type: single nucleotide variant.
Coding change: c.534T>C on transcript NM_000051.4 (MANE Select); coding-DNA position 534, T replaced by C.
Protein change: p.Pro178=; no amino-acid change (proline 178 retained).
Molecular consequence: synonymous variant.
Genome position (GRCh38, 1-based): chr11:108,243,990, T>C. VCF-style: chr11-108243990-T-C. GRCh37 (hg19) VCF-style: chr11-108114717-T-C.
Other names: c.534T>C, p.Pro178= (NM_001351834.2).
Identifiers: ClinVar variation 453574 (VCV000453574.17), dbSNP rs1060504293, ClinGen allele CA476671409.